The following is an entry in ClinVar:

NM_000218.3(KCNQ1):c.623C>T (p.Ala208Val)

Gene: KCNQ1 (potassium voltage-gated channel subfamily Q member 1; plus strand). Cytogenetic location: 11p15.5.
Variant type: single nucleotide variant.
Coding change: c.623C>T on transcript NM_000218.3 (MANE Select); coding-DNA position 623, C replaced by T.
Protein change: p.Ala208Val; replaces alanine 208 with valine.
Molecular consequence: missense variant. On other transcripts: intron variant (1).
Genome position (GRCh38, 1-based): chr11:2,571,343, C>T. VCF-style: chr11-2571343-C-T. GRCh37 (hg19) VCF-style: chr11-2592573-C-T.
Other names: c.623C>T, p.Ala208Val (NM_001406836.1); c.353C>T, p.Ala118Val (NM_001406837.1); c.242C>T, p.Ala81Val (NM_181798.2); c.478-12092C>T (NM_001406838.1); short protein forms A81V, A208V, A118V.
Identifiers: ClinVar variation 3705872 (VCV003705872.3).

ClinVar aggregate classification (germline): Uncertain significance. Review status: criteria provided, multiple submitters, no conflicts (2 of 4 stars). 2 submissions from 2 submitters: Uncertain significance (2). Last evaluated 2025-06-01.

Conditions:
Long QT syndrome (LQTS). Identifiers: MedGen C0023976, MeSH D008133, MONDO:0002442. Disease mechanism: loss of function. Inheritance: Various modes of inheritance.

gnomAD v4.1: 11 of 1,613,288 alleles (0.00068%); highest among the groups gnomAD compares: Non-Finnish European, 0.00093%; no homozygotes.

Submissions (2):

GeneDx
Classification: Uncertain significance. Last evaluated: 2025-06-01. Review status: criteria provided, single submitter. Criteria: GeneDx Variant Classification Process June 2021. Collection method: clinical testing. Allele origin: germline. Affected: yes.
Comment: Not observed at significant frequency in large population cohorts (gnomAD); In silico analysis supports that this missense variant has a deleterious effect on protein structure/function; Has not been previously published as pathogenic or benign to our knowledge

Labcorp Genetics (formerly Invitae), Labcorp
Classification: Uncertain significance for Long QT syndrome. Last evaluated: 2024-03-13. Review status: criteria provided, single submitter. Criteria: Invitae Variant Classification Sherloc (09022015). Collection method: clinical testing. Allele origin: germline.
Comment: This sequence change replaces alanine, which is neutral and non-polar, with valine, which is neutral and non-polar, at codon 208 of the KCNQ1 protein (p.Ala208Val). This variant is present in population databases (rs771239108, gnomAD 0.0009%). This variant has not been reported in the literature in individuals affected with KCNQ1-related conditions. Advanced modeling of protein sequence and biophysical properties (such as structural, functional, and spatial information, amino acid conservation, physicochemical variation, residue mobility, and thermodynamic stability) performed at Invitae indicates that this missense variant is expected to disrupt KCNQ1 protein function with a positive predictive value of 95%. In summary, the available evidence is currently insufficient to determine the role of this variant in disease. Therefore, it has been classified as a Variant of Uncertain Significance.